The following is an entry in ClinVar:

ClinVar aggregate classification (germline): Uncertain significance (1 of 4 stars; one submission).

Conditions:
Inborn genetic diseases. Identifiers: MedGen C0950123, MeSH D030342.

gnomAD v4.1: 1 of 1,613,688 alleles (0.000062%); highest among the groups gnomAD compares: Admixed American, 0.0017%; no homozygotes.

Submission:

Ambry Genetics
Classification: Uncertain significance for Inborn genetic diseases. Last evaluated: 2025-06-08. Review status: criteria provided, single submitter. Criteria: Ambry Variant Classification Scheme 2023. Collection method: clinical testing. Allele origin: germline.
Comment: The p.L431P variant (also known as c.1292T>C), located in coding exon 1 of the SAMD9 gene, results from a T to C substitution at nucleotide position 1292. The leucine at codon 431 is replaced by proline, an amino acid with similar properties. This amino acid position is conserved. In addition, the in silico prediction for this alteration is inconclusive. Based on the available evidence, the clinical significance of this variant remains unclear.

NM_017654.4(SAMD9):c.1292T>C (p.Leu431Pro)

Gene: SAMD9 (sterile alpha motif domain containing 9; minus strand). Cytogenetic location: 7q21.2.
Variant type: single nucleotide variant.
Coding change: c.1292T>C on transcript NM_017654.4 (MANE Select); coding-DNA position 1292, T replaced by C.
Protein change: p.Leu431Pro; replaces leucine 431 with proline.
Molecular consequence: missense variant.
Genome position (GRCh38, 1-based): chr7:93,104,806, A>G on the plus strand (T>C on the coding strand, the complement: SAMD9 is on the minus strand). VCF-style: chr7-93104806-A-G. GRCh37 (hg19) VCF-style: chr7-92734119-A-G.
Other names: c.1292T>C, p.Leu431Pro (NM_001193307.2); short protein forms L431P.
Identifiers: ClinVar variation 3949718 (VCV003949718.1).
Genomic context (GRCh38, chr7:93,104,806, plus strand): 5'-ACTCCATTGATGTTAGACTCAGGATCAAACTCCAATACAGCAAACCATTTAATTTCCTTC[A>G]GGAAATCTAAGTGTTTTGTTTGATCTGGGTGGCATTTATTTGTTACAAGAATGTACTGTT-3'
Protein context (NP_060124.2, residues 421-441): HPDQTKHLDF[Leu431Pro]KEIKWFAVLE